The following is an entry in ClinVar:

NM_000329.3(RPE65):c.1198A>T (p.Thr400Ser)

Gene: RPE65 (retinoid isomerohydrolase RPE65; minus strand). Cytogenetic location: 1p31.3.
Variant type: single nucleotide variant.
Coding change: c.1198A>T on transcript NM_000329.3 (MANE Select); coding-DNA position 1198, A replaced by T.
Protein change: p.Thr400Ser; replaces threonine 400 with serine.
Molecular consequence: missense variant.
Genome position (GRCh38, 1-based): chr1:68,431,516, T>A on the plus strand (A>T on the coding strand, the complement: RPE65 is on the minus strand). VCF-style: chr1-68431516-T-A. GRCh37 (hg19) VCF-style: chr1-68897199-T-A.
Other names: short protein forms T400S.
Identifiers: ClinVar variation 1427522 (VCV001427522.5), dbSNP rs1645826225, ClinGen allele CA340743165.

ClinVar aggregate classification (germline): Uncertain significance (1 of 4 stars; one submission).

Conditions:
Leber congenital amaurosis 2 (LCA2). Also called: AMAUROSIS CONGENITA OF LEBER II; Autosomal Recessive RPE65-Related Retinal Degeneration. Identifiers: Orphanet 65, MedGen C1859844, MONDO:0008765, OMIM 204100. Disease mechanism: loss of function.
Retinitis pigmentosa 20 (RP20). Identifiers: Orphanet 791, MedGen C3151086, MONDO:0013425, OMIM 613794.

Allele frequency attached by ClinVar (database versions not stated): TOPMed 0.00001; gnomAD 0.00003.
gnomAD v4.1: 4 of 1,613,814 alleles (0.00025%); highest among the groups gnomAD compares: African/African-American, 0.0053%; no homozygotes.

Submission:

Labcorp Genetics (formerly Invitae), Labcorp
Classification: Uncertain significance for Leber congenital amaurosis 2; Retinitis pigmentosa 20. Last evaluated: 2021-09-07. Review status: criteria provided, single submitter. Criteria: Invitae Variant Classification Sherloc (09022015). Collection method: clinical testing. Allele origin: germline.
Comment: This sequence change replaces threonine with serine at codon 400 of the RPE65 protein (p.Thr400Ser). The threonine residue is moderately conserved and there is a small physicochemical difference between threonine and serine. This variant is not present in population databases (ExAC no frequency). This variant has not been reported in the literature in individuals affected with RPE65-related conditions. Algorithms developed to predict the effect of missense changes on protein structure and function (SIFT, PolyPhen-2, Align-GVGD) all suggest that this variant is likely to be tolerated. In summary, the available evidence is currently insufficient to determine the role of this variant in disease. Therefore, it has been classified as a Variant of Uncertain Significance.